The following is an entry in ClinVar:

NM_001122659.3(EDNRB):c.391T>C (p.Cys131Arg)

Gene: EDNRB (endothelin receptor type B; minus strand). Cytogenetic location: 13q22.3.
Variant type: single nucleotide variant.
Coding change: c.391T>C on transcript NM_001122659.3 (MANE Select); coding-DNA position 391, T replaced by C.
Protein change: p.Cys131Arg; replaces cysteine 131 with arginine.
Molecular consequence: missense variant.
Genome position (GRCh38, 1-based): chr13:77,918,183, A>G on the plus strand (T>C on the coding strand, the complement: EDNRB is on the minus strand). VCF-style: chr13-77918183-A-G. GRCh37 (hg19) VCF-style: chr13-78492318-A-G.
Other names: c.391T>C, p.Cys131Arg (NM_000115.5, NM_003991.4); c.661T>C, p.Cys221Arg (NM_001201397.2); short protein forms C131R, C221R.
Identifiers: ClinVar variation 882484 (VCV000882484.5), dbSNP rs1261885036, ClinGen allele CA388452437.

ClinVar aggregate classification (germline): Uncertain significance. Review status: criteria provided, multiple submitters, no conflicts (2 of 4 stars). 2 submissions from 2 submitters: Uncertain significance (2). Last evaluated 2022-08-18.

Conditions:
Hirschsprung disease, susceptibility to, 2. Identifiers: Orphanet 388, MedGen C1838564, MONDO:0010833, OMIM 600155.

Allele frequency attached by ClinVar (database versions not stated): gnomAD exomes below 0.00001.
gnomAD v4.1: 1 of 1,614,130 alleles (0.000062%); highest among the groups gnomAD compares: South Asian, 0.0011%; no homozygotes.

Submissions (2):

GeneDx
Classification: Uncertain significance. Last evaluated: 2022-08-18. Review status: criteria provided, single submitter. Criteria: GeneDx Variant Classification Process June 2021. Collection method: clinical testing. Allele origin: germline. Affected: yes.
Comment: Not observed at a significant frequency in large population cohorts (gnomAD); In silico analysis supports that this missense variant has a deleterious effect on protein structure/function; Has not been previously published as pathogenic or benign to our knowledge

Illumina Laboratory Services, Illumina
Classification: Uncertain significance for Hirschsprung disease, susceptibility to, 2. Last evaluated: 2018-01-15. Review status: criteria provided, single submitter. Criteria: ICSL Variant Classification Criteria 13 December 2019. Collection method: clinical testing. Allele origin: germline.